The following is an entry in ClinVar:

NM_015978.3(TNNI3K):c.2053C>T (p.Pro685Ser)

Genes: FPGT-TNNI3K (FPGT-TNNI3K readthrough; plus strand), TNNI3K (TNNI3 interacting kinase; plus strand). Cytogenetic location: 1p31.1.
Variant type: single nucleotide variant.
Coding change: c.2053C>T on transcript NM_015978.3 (MANE Select); coding-DNA position 2053, C replaced by T.
Protein change: p.Pro685Ser; replaces proline 685 with serine.
Molecular consequence: missense variant.
Genome position (GRCh38, 1-based): chr1:74,463,482, C>T. VCF-style: chr1-74463482-C-T. GRCh37 (hg19) VCF-style: chr1-74929166-C-T.
Other names: c.2356C>T, p.Pro786Ser (NM_001112808.3, NM_001199327.2); short protein forms P786S, P685S.
Identifiers: ClinVar variation 1423033 (VCV001423033.9), dbSNP rs143618297, ClinGen allele CA909580.

ClinVar aggregate classification (germline): Uncertain significance. Review status: criteria provided, multiple submitters, no conflicts (2 of 4 stars). 4 submissions from 4 submitters: Uncertain significance (4). Last evaluated 2026-01-26.

Conditions:
Atrial conduction disease. Identifiers: Orphanet 436242, MedGen CN221670, MONDO:0014500.

Allele frequency attached by ClinVar (database versions not stated): gnomAD 0.00017 and 0.00018; gnomAD exomes 0.00021 and 0.00012; ESP Exome Variant Server 0.00008; TOPMed 0.00012; ExAC 0.00016.
gnomAD v4.1: 334 of 1,614,090 alleles (0.021%); highest among the groups gnomAD compares: Non-Finnish European, 0.027%; no homozygotes.

Submissions (4):

Labcorp Genetics (formerly Invitae), Labcorp
Classification: Uncertain significance. Last evaluated: 2026-01-26. Review status: criteria provided, single submitter. Criteria: Invitae Variant Classification Sherloc (09022015). Collection method: clinical testing. Allele origin: germline.
Comment: This sequence change replaces proline, which is neutral and non-polar, with serine, which is neutral and polar, at codon 685 of the TNNI3K protein (p.Pro685Ser). This variant is present in population databases (rs143618297, gnomAD 0.02%). This variant has not been reported in the literature in individuals affected with TNNI3K-related conditions. ClinVar contains an entry for this variant (Variation ID: 1423033). An algorithm developed to predict the effect of missense changes on protein structure and function (PolyPhen-2) suggests that this variant is likely to be disruptive. In summary, the available evidence is currently insufficient to determine the role of this variant in disease. Therefore, it has been classified as a Variant of Uncertain Significance.

GeneDx
Classification: Uncertain significance. Last evaluated: 2025-04-23. Review status: criteria provided, single submitter. Criteria: GeneDx Variant Classification Process June 2021. Collection method: clinical testing. Allele origin: germline. Affected: yes.
Comment: In silico analysis indicates that this missense variant does not alter protein structure/function; Has not been previously published as pathogenic or benign to our knowledge

Human Genetics Bochum, Ruhr University Bochum
Classification: Uncertain significance for Cardiac conduction disease with or without dilated cardiomyopathy 1. Last evaluated: 2023-04-13. Review status: criteria provided, single submitter. Criteria: ACMG Guidelines, 2015. Collection method: clinical testing. Allele origin: germline. Affected: yes.
Comment: ACMG criteria used to clasify this variant: PP3_MOD

Department of Pathology and Laboratory Medicine, Sinai Health System
Classification: Uncertain significance for Cardiac conduction disease with or without dilated cardiomyopathy 1. Last evaluated: 2022-02-16. Review status: criteria provided, single submitter. Criteria: ACMG Guidelines, 2015. Collection method: research. Allele origin: germline.